The following is an entry in ClinVar:

NM_020975.6(RET):c.3183_3184del (p.Tyr1062fs)

Gene: RET (ret proto-oncogene; plus strand). Cytogenetic location: 10q11.21.
Variant type: Microsatellite.
Coding change: c.3183_3184del on transcript NM_020975.6 (MANE Select); coding-DNA positions 3183 to 3184, 2 bases deleted (CT; older notation c.3183_3184delCT).
Protein change: p.Tyr1062fs; shifts the reading frame from tyrosine 1062.
Molecular consequence: frameshift variant. On other transcripts: intron variant (4).
Genome position (GRCh38, 1-based): chr10:43,126,718-43,126,719, CT deleted; deleting any 2 consecutive bases within chr10:43,126,716-43,126,719 gives the same sequence; the c. name uses the placement nearest the transcript's 3' end. VCF-style (leftmost placement, unchanged base first): chr10-43126715-ACT-A. GRCh37 (hg19) VCF-style: chr10-43622163-ACT-A.
Other names: c.3183_3184delCT (NM_020975.4); c.2421_2422del, p.Tyr808fs (NM_001355216.2); c.3183_3184del, p.Tyr1062fs (NM_001406743.1, NM_020630.7); c.3183_3184del, p.Leu1061_Tyr1062insTer (NM_001406744.1); c.3054_3055del, p.Tyr1019fs (NM_001406761.1, NM_001406762.1, NM_001406764.1); c.3048_3049del, p.Tyr1017fs (NM_001406763.1, NM_001406765.1); c.2895_2896del, p.Tyr966fs (NM_001406766.1, NM_001406767.1, NM_001406770.1); c.2919_2920del, p.Tyr974fs (NM_001406768.1); and 18 more; short protein forms Y1017fs, Y1019fs, Y1062fs, Y579fs, Y627fs, Y667fs, Y718fs, Y720fs.
Identifiers: ClinVar variation 4863279 (VCV004863279.1).

ClinVar aggregate classification (germline): Uncertain significance (1 of 4 stars; one submission).

Conditions:
Hereditary cancer-predisposing syndrome. Also called: Neoplastic Syndromes, Hereditary; Tumor predisposition; Hereditary Cancer Syndrome; Hereditary neoplastic syndrome. Identifiers: Orphanet 140162, MedGen C0027672, MeSH D009386, MONDO:0015356.

Submission:

Ambry Genetics
Classification: Uncertain significance for Hereditary cancer-predisposing syndrome. Last evaluated: 2026-05-28. Review status: criteria provided, single submitter. Criteria: Ambry Variant Classification Scheme 2023. Collection method: clinical testing. Allele origin: germline.
Comment: The c.3183_3184delCT variant, located in coding exon 19 of the RET gene, results from a deletion of two nucleotides at nucleotide positions 3183 to 3184, causing a translational frameshift with a predicted alternate stop codon (p.Y1062Wfs*19). This variant occurs at the 3' terminus of the gene, is not expected to trigger nonsense-mediated mRNAdecay, and impacts the last 4.8% of the protein. The exact functional effect of this variant is unknown. Based on the available evidence, the clinical significance of this variant remains unclear.